The following is an entry in ClinVar:

ClinVar aggregate classification (germline): Uncertain significance (1 of 4 stars; one submission).

Conditions:
Charcot-Marie-Tooth disease axonal type 2C (HMSN2C). Also called: CHARCOT-MARIE-TOOTH DISEASE, AXONAL, AUTOSOMAL DOMINANT, TYPE 2C; Charcot-Marie-Tooth Neuropathy Type 2C; Charcot-Marie-Tooth Disease Type 2, TRPV4-Related (CMT2C). Identifiers: Orphanet 99937, MedGen C1853710, MONDO:0011633, OMIM 606071.

Submission:

Labcorp Genetics (formerly Invitae), Labcorp
Classification: Uncertain significance for Charcot-Marie-Tooth disease axonal type 2C. Last evaluated: 2025-03-31. Review status: criteria provided, single submitter. Criteria: Invitae Variant Classification Sherloc (09022015). Collection method: clinical testing. Allele origin: germline.
Comment: This sequence change replaces proline, which is neutral and non-polar, with threonine, which is neutral and polar, at codon 844 of the TRPV4 protein (p.Pro844Thr). This variant is not present in population databases (gnomAD no frequency). This variant has not been reported in the literature in individuals affected with TRPV4-related conditions. ClinVar contains an entry for this variant (Variation ID: 1409186). Invitae Evidence Modeling of protein sequence and biophysical properties (such as structural, functional, and spatial information, amino acid conservation, physicochemical variation, residue mobility, and thermodynamic stability) indicates that this missense variant is not expected to disrupt TRPV4 protein function with a negative predictive value of 95%. In summary, the available evidence is currently insufficient to determine the role of this variant in disease. Therefore, it has been classified as a Variant of Uncertain Significance.

NM_021625.5(TRPV4):c.2530C>A (p.Pro844Thr)

Gene: TRPV4 (transient receptor potential cation channel subfamily V member 4; minus strand). Cytogenetic location: 12q24.11.
Variant type: single nucleotide variant.
Coding change: c.2530C>A on transcript NM_021625.5 (MANE Select); coding-DNA position 2530, C replaced by A.
Protein change: p.Pro844Thr; replaces proline 844 with threonine.
Molecular consequence: missense variant.
Genome position (GRCh38, 1-based): chr12:109,783,707, G>T on the plus strand (C>A on the coding strand, the complement: TRPV4 is on the minus strand). VCF-style: chr12-109783707-G-T. GRCh37 (hg19) VCF-style: chr12-110221512-G-T.
Other names: c.2389C>A, p.Pro797Thr (NM_001177428.2); c.2428C>A, p.Pro810Thr (NM_001177431.2); c.2209C>A, p.Pro737Thr (NM_001177433.2); c.2350C>A, p.Pro784Thr (NM_147204.3); short protein forms P797T, P844T, P737T, P784T, P810T.
Identifiers: ClinVar variation 1409186 (VCV001409186.6), dbSNP rs2136412583, ClinGen allele CA386648495.